The following is an entry in ClinVar:

ClinVar aggregate classification (germline): Uncertain significance (1 of 4 stars; one submission).

Submission:

Labcorp Genetics (formerly Invitae), Labcorp
Classification: Uncertain significance. Last evaluated: 2025-07-10. Review status: criteria provided, single submitter. Criteria: Invitae Variant Classification Sherloc (09022015). Collection method: clinical testing. Allele origin: germline.
Comment: This sequence change replaces valine, which is neutral and non-polar, with aspartic acid, which is acidic and polar, at codon 1535 of the CDH23 protein (p.Val1535Asp). This variant is not present in population databases (gnomAD no frequency). This variant has not been reported in the literature in individuals affected with CDH23-related conditions. ClinVar contains an entry for this variant (Variation ID: 1485940). Invitae Evidence Modeling of protein sequence and biophysical properties (such as structural, functional, and spatial information, amino acid conservation, physicochemical variation, residue mobility, and thermodynamic stability) has been performed for this missense variant. However, the output from this modeling did not meet the statistical confidence thresholds required to predict the impact of this variant on CDH23 protein function. In summary, the available evidence is currently insufficient to determine the role of this variant in disease. Therefore, it has been classified as a Variant of Uncertain Significance.

NM_022124.6(CDH23):c.4604T>A (p.Val1535Asp)

Gene: CDH23 (cadherin related 23; plus strand). Cytogenetic location: 10q22.1.
Variant type: single nucleotide variant.
Coding change: c.4604T>A on transcript NM_022124.6 (MANE Select); coding-DNA position 4604, T replaced by A.
Protein change: p.Val1535Asp; replaces valine 1535 with aspartic acid.
Molecular consequence: missense variant.
Genome position (GRCh38, 1-based): chr10:71,740,937, T>A. VCF-style: chr10-71740937-T-A. GRCh37 (hg19) VCF-style: chr10-73500694-T-A.
Other names: short protein forms V1535D.
Identifiers: ClinVar variation 1485940 (VCV001485940.4), dbSNP rs2132846303, ClinGen allele CA377160772.